The following is an entry in ClinVar:

ClinVar aggregate classification (germline): Uncertain significance (1 of 4 stars; one submission).

Conditions:
DICER1-related tumor predisposition. Also called: DICER1 syndrome; DICER1-related pleuropulmonary blastoma cancer predisposition syndrome. Identifiers: Orphanet 284343, MedGen C3839822, MONDO:0100216.

Submission:

Labcorp Genetics (formerly Invitae), Labcorp
Classification: Uncertain significance for DICER1-related tumor predisposition. Last evaluated: 2020-09-10. Review status: criteria provided, single submitter. Criteria: Invitae Variant Classification Sherloc (09022015). Collection method: clinical testing. Allele origin: germline.
Comment: This sequence change replaces glutamine with proline at codon 1685 of the DICER1 protein (p.Gln1685Pro). The glutamine residue is highly conserved and there is a moderate physicochemical difference between glutamine and proline. This variant is not present in population databases (ExAC no frequency). This variant has not been reported in the literature in individuals with DICER1-related conditions. In summary, the available evidence is currently insufficient to determine the role of this variant in disease. Therefore, it has been classified as a Variant of Uncertain Significance. Algorithms developed to predict the effect of missense changes on protein structure and function (SIFT, PolyPhen-2, Align-GVGD) all suggest that this variant is likely to be disruptive, but these predictions have not been confirmed by published functional studies and their clinical significance is uncertain.

NM_177438.3(DICER1):c.5054A>C (p.Gln1685Pro)

Gene: DICER1 (dicer 1, ribonuclease III; minus strand). Cytogenetic location: 14q32.13.
Variant type: single nucleotide variant.
Coding change: c.5054A>C on transcript NM_177438.3 (MANE Select); coding-DNA position 5054, A replaced by C.
Protein change: p.Gln1685Pro; replaces glutamine 1685 with proline.
Molecular consequence: missense variant.
Genome position (GRCh38, 1-based): chr14:95,095,866, T>G on the plus strand (A>C on the coding strand, the complement: DICER1 is on the minus strand). VCF-style: chr14-95095866-T-G. GRCh37 (hg19) VCF-style: chr14-95562203-T-G.
Other names: c.5054A>C, p.Gln1685Pro (NM_001195573.1, NM_001271282.3, NM_001291628.2 and 1 more transcripts); short protein forms Q1685P.
Identifiers: ClinVar variation 1001097 (VCV001001097.10), dbSNP rs1890260910, ClinGen allele CA390866002.